The following is an entry in ClinVar:

NM_001384732.1(CPLANE1):c.7029T>G (p.Asp2343Glu)

Gene: CPLANE1 (ciliogenesis and planar polarity effector complex subunit 1; minus strand). Cytogenetic location: 5p13.2.
Variant type: single nucleotide variant.
Coding change: c.7029T>G on transcript NM_001384732.1 (MANE Select); coding-DNA position 7029, T replaced by G.
Protein change: p.Asp2343Glu; replaces aspartic acid 2343 with glutamic acid.
Molecular consequence: missense variant.
Genome position (GRCh38, 1-based): chr5:37,168,995, A>C on the plus strand (T>G on the coding strand, the complement: CPLANE1 is on the minus strand). VCF-style: chr5-37168995-A-C. GRCh37 (hg19) VCF-style: chr5-37169097-A-C.
Other names: c.7029T>G, p.Asp2343Glu (NM_023073.4); short protein forms D2343E.
Identifiers: ClinVar variation 1492361 (VCV001492361.6), dbSNP rs972193512, ClinGen allele CA117054236.

ClinVar aggregate classification (germline): Uncertain significance (1 of 4 stars; one submission).

Allele frequency attached by ClinVar (database versions not stated): TOPMed below 0.00001.
gnomAD v4.1: 2 of 1,614,064 alleles (0.00012%); highest among the groups gnomAD compares: Admixed American, 0.0017%; no homozygotes.

Submission:

Labcorp Genetics (formerly Invitae), Labcorp
Classification: Uncertain significance. Last evaluated: 2022-08-23. Review status: criteria provided, single submitter. Criteria: Invitae Variant Classification Sherloc (09022015). Collection method: clinical testing. Allele origin: germline.
Comment: In summary, the available evidence is currently insufficient to determine the role of this variant in disease. Therefore, it has been classified as a Variant of Uncertain Significance. Advanced modeling of protein sequence and biophysical properties (such as structural, functional, and spatial information, amino acid conservation, physicochemical variation, residue mobility, and thermodynamic stability) performed at Invitae indicates that this missense variant is not expected to disrupt CPLANE1 protein function. ClinVar contains an entry for this variant (Variation ID: 1492361). This variant has not been reported in the literature in individuals affected with CPLANE1-related conditions. This variant is not present in population databases (gnomAD no frequency). This sequence change replaces aspartic acid, which is acidic and polar, with glutamic acid, which is acidic and polar, at codon 2343 of the CPLANE1 protein (p.Asp2343Glu).